The following is an entry in ClinVar:

ClinVar aggregate classification (germline): Uncertain significance (1 of 4 stars; one submission).

Submission:

Labcorp Genetics (formerly Invitae), Labcorp
Classification: Uncertain significance. Last evaluated: 2024-12-07. Review status: criteria provided, single submitter. Criteria: Invitae Variant Classification Sherloc (09022015). Collection method: clinical testing. Allele origin: germline.
Comment: This sequence change replaces valine, which is neutral and non-polar, with leucine, which is neutral and non-polar, at codon 598 of the TFRC protein (p.Val598Leu). This variant is not present in population databases (gnomAD no frequency). This variant has not been reported in the literature in individuals affected with TFRC-related conditions. An algorithm developed to predict the effect of missense changes on protein structure and function outputs the following: PolyPhen-2: "Benign". The leucine amino acid residue is found in multiple mammalian species, which suggests that this missense change does not adversely affect protein function. In summary, the available evidence is currently insufficient to determine the role of this variant in disease. Therefore, it has been classified as a Variant of Uncertain Significance.

NM_001128148.3(TFRC):c.1792G>C (p.Val598Leu)

Gene: TFRC (transferrin receptor; minus strand). Cytogenetic location: 3q29.
Variant type: single nucleotide variant.
Coding change: c.1792G>C on transcript NM_001128148.3 (MANE Select); coding-DNA position 1792, G replaced by C.
Protein change: p.Val598Leu; replaces valine 598 with leucine.
Molecular consequence: missense variant.
Genome position (GRCh38, 1-based): chr3:196,055,187, C>G on the plus strand (G>C on the coding strand, the complement: TFRC is on the minus strand). VCF-style: chr3-196055187-C-G. GRCh37 (hg19) VCF-style: chr3-195782058-C-G.
Other names: c.1549G>C, p.Val517Leu (NM_001313965.2); c.946G>C, p.Val316Leu (NM_001313966.2); c.1792G>C, p.Val598Leu (NM_003234.4); short protein forms V316L, V517L, V598L.
Identifiers: ClinVar variation 3726803 (VCV003726803.2).